The following is an entry in ClinVar:

NM_001211.6(BUB1B):c.2093T>A (p.Ile698Asn)

Gene: BUB1B (BUB1 mitotic checkpoint serine/threonine kinase B; plus strand). Cytogenetic location: 15q15.1.
Variant type: single nucleotide variant.
Coding change: c.2093T>A on transcript NM_001211.6 (MANE Select); coding-DNA position 2093, T replaced by A.
Protein change: p.Ile698Asn; replaces isoleucine 698 with asparagine.
Molecular consequence: missense variant.
Genome position (GRCh38, 1-based): chr15:40,208,720, T>A. VCF-style: chr15-40208720-T-A. GRCh37 (hg19) VCF-style: chr15-40500921-T-A.
Other names: short protein forms I698N.
Identifiers: ClinVar variation 1785764 (VCV001785764.3), dbSNP rs1210363542, ClinGen allele CA391693695.

ClinVar aggregate classification (germline): Uncertain significance (1 of 4 stars; one submission).

Conditions:
Inborn genetic diseases. Identifiers: MedGen C0950123, MeSH D030342.

Allele frequency attached by ClinVar (database versions not stated): gnomAD exomes below 0.00001; TOPMed 0.00001; gnomAD 0.00002.
gnomAD v4.1: 7 of 1,613,472 alleles (0.00043%); highest among the groups gnomAD compares: Admixed American, 0.0017%; no homozygotes.

Submission:

Ambry Genetics
Classification: Uncertain significance for Inborn genetic diseases. Last evaluated: 2024-07-07. Review status: criteria provided, single submitter. Criteria: Ambry Variant Classification Scheme 2023. Collection method: clinical testing. Allele origin: germline.
Comment: The p.I698N variant (also known as c.2093T>A), located in coding exon 16 of the BUB1B gene, results from a T to A substitution at nucleotide position 2093. The isoleucine at codon 698 is replaced by asparagine, an amino acid with dissimilar properties. This amino acid position is conserved. In addition, this alteration is predicted to be tolerated by in silico analysis. Since supporting evidence is limited at this time, the clinical significance of this alteration remains unclear.